The following is an entry in ClinVar:

ClinVar aggregate classification (germline): Likely pathogenic (1 of 4 stars; one submission).

Conditions:
Severe X-linked myotubular myopathy (CNMX). Also called: MYOTUBULAR MYOPATHY 1; X-linked centronuclear myopathy; Myotubular myopathy, X-linked. Identifiers: Orphanet 596, MedGen C0410203, MONDO:0010683, OMIM 310400.

Submissions (2):

Labcorp Genetics (formerly Invitae), Labcorp
Classification: Likely pathogenic for Severe X-linked myotubular myopathy. Last evaluated: 2025-07-30. Review status: criteria provided, single submitter. Criteria: Invitae Variant Classification Sherloc (09022015). Collection method: clinical testing. Allele origin: germline.
Comment: This sequence change affects a donor splice site in intron 4 of the MTM1 gene. It is expected to disrupt RNA splicing. Variants that disrupt the donor or acceptor splice site typically lead to a loss of protein function (PMID: 16199547), and loss-of-function variants in MTM1 are known to be pathogenic (PMID: 9305655, 10063835). This variant is not present in population databases (gnomAD no frequency). Disruption of this splice site has been observed in individual(s) with hypotonia (PMID: 27353517). Algorithms developed to predict the effect of sequence changes on RNA splicing suggest that this variant may disrupt the consensus splice site. In summary, the currently available evidence indicates that the variant is pathogenic, but additional data are needed to prove that conclusively. Therefore, this variant has been classified as Likely Pathogenic.

Dr. Peter K. Rogan Lab, Western University
No classification provided (evidence only). Condition: Nonpapillary renal cell carcinoma. Review status: no classification provided. Collection method: in vitro. Allele origin: not applicable. Functional consequence: skipped exon. Not counted in ClinVar's aggregate classification.

Literature cited by the submitters: PubMed 16199547 (cited by Labcorp Genetics (formerly Invitae), Labcorp); PubMed 9305655 (cited by Labcorp Genetics (formerly Invitae), Labcorp); PubMed 10063835 (cited by Labcorp Genetics (formerly Invitae), Labcorp); PubMed 27353517 (cited by Labcorp Genetics (formerly Invitae), Labcorp).

NM_000252.3(MTM1):c.231+2T>C

Gene: MTM1 (myotubularin 1; plus strand). Cytogenetic location: Xq28.
Variant type: single nucleotide variant.
Coding change: c.231+2T>C on transcript NM_000252.3 (MANE Select); the canonical splice donor site of the intron after coding-DNA position 231, T replaced by C.
Molecular consequence: splice donor variant.
Genome position (GRCh38, 1-based): chrX:150,598,688, T>C. VCF-style: chrX-150598688-T-C. GRCh37 (hg19) VCF-style: chrX-149767152-T-C.
Other names: NC_000023.10:g.149767152T>C; c.231+2T>C (NM_001376908.1, NM_001376906.1, NM_001376907.1).
Identifiers: ClinVar variation 4475829 (VCV004475829.2).
Genomic context (GRCh38, chrX:150,598,688, plus strand): 5'-CCATTAAGGGAAGAGTTTACATCACAAATTATCGTCTTTATTTAAGAAGTTTGGAAACGG[T>C]AAGTAGAATATAAGACCATAAAGATGACCCTAACTGTTAAAGATAATGCTAAATTGTTTC-3'